The following is an entry in ClinVar:

ClinVar aggregate classification (germline): Benign (1 of 4 stars; one submission).

Conditions:
White sponge nevus 1. Also called: LEUKOKERATOSIS, HEREDITARY MUCOSAL. Identifiers: MedGen C4011926, MONDO:0008676, OMIM 193900.

Allele frequency attached by ClinVar (database versions not stated): gnomAD exomes 0.00014; gnomAD 0.00151 and 0.00159; TOPMed 0.00172; 1000 Genomes Project 30x 0.00219; 1000 Genomes Project 0.00240.
gnomAD v4.1: 422 of 1,479,832 alleles (0.029%); highest among the groups gnomAD compares: African/African-American, 0.55%; 2 homozygotes.

Submission:

Illumina Laboratory Services, Illumina
Classification: Benign for White sponge nevus 1. Last evaluated: 2018-01-13. Review status: criteria provided, single submitter. Criteria: ICSL Variant Classification Criteria 13 December 2019. Collection method: clinical testing. Allele origin: germline.
Comment: This variant was observed in the ICSL laboratory as part of a predisposition screen in an ostensibly healthy population. It had not been previously curated by ICSL or reported in the Human Gene Mutation Database (HGMD: prior to June 1st, 2018), and was therefore a candidate for classification through an automated scoring system. Utilizing variant allele frequency, disease prevalence and penetrance estimates, and inheritance mode, an automated score was calculated to assess if this variant is too frequent to cause the disease. Based on the score and internal cut-off values, a variant classified as benign is not then subjected to further curation. The score for this variant resulted in a classification of benign for this disease.

NM_002272.4(KRT4):c.*68C>T

Gene: KRT4 (keratin 4; minus strand). Cytogenetic location: 12q13.13.
Variant type: single nucleotide variant.
Coding change: c.*68C>T on transcript NM_002272.4 (MANE Select); 68 bases downstream of the stop codon, C replaced by T.
Molecular consequence: 3 prime UTR variant.
Genome position (GRCh38, 1-based): chr12:52,807,001, G>A on the plus strand (C>T on the coding strand, the complement: KRT4 is on the minus strand). VCF-style: chr12-52807001-G-A. GRCh37 (hg19) VCF-style: chr12-53200785-G-A.
Identifiers: ClinVar variation 309664 (VCV000309664.5), dbSNP rs149040467, ClinGen allele CA10642810.